The following is an entry in ClinVar:

ClinVar aggregate classification (germline): Pathogenic/Likely pathogenic. Review status: criteria provided, multiple submitters, no conflicts (2 of 4 stars). 4 submissions from 4 submitters: Pathogenic (3); Likely pathogenic (1). Last evaluated 2026-08-19.

Conditions:
IRF6-related condition. Also called: IRF6-Related Disorders; IRF6-related disorder. Identifiers: MedGen CN378148, MONDO:1040010.
Orofacial cleft 6, susceptibility to (OFC6). Also called: CLEFT LIP WITH OR WITHOUT CLEFT PALATE, NONSYNDROMIC, 6. Identifiers: MedGen C1837213, MONDO:0012141, OMIM 608864.
Van der Woude syndrome. Identifiers: Orphanet 888, MedGen C0175697, MONDO:0019508.
Popliteal pterygium syndrome (PPS). Identifiers: Orphanet 294963, MedGen C0265259, MONDO:0017435.
Van der Woude syndrome 1. Also called: CLEFT LIP AND/OR PALATE WITH MUCOUS CYSTS OF LOWER LIP; van der Woude Syndrome (VWS). Identifiers: MedGen C4551864, MONDO:0007333, OMIM 119300.

Allele frequency attached by ClinVar (database versions not stated): gnomAD exomes below 0.00001.

Submissions (4):

PreventionGenetics, part of Exact Sciences
Classification: Pathogenic for IRF6-related condition. Last evaluated: 2026-08-19. Review status: criteria provided, single submitter. Criteria: ACMG Guidelines, 2015. Collection method: clinical testing. Allele origin: germline.
Comment: The IRF6 c.25C>T variant is predicted to result in the amino acid substitution p.Arg9Trp. This variant has been reported in individuals with Van der Woude syndrome, including de novo occurrence(s) (Matsuzawa et al. 2004. PubMed ID: 15472655; Khandelwal et al. 2016. PubMed ID: 27834299; Racine et al. 2023. PubMed ID: 37586840; Jehee et al. 2009. PubMed ID: 19449419). This variant has not been reported in a large population database, indicating this variant is rare. This variant is interpreted as pathogenic.

Labcorp Genetics (formerly Invitae), Labcorp
Classification: Pathogenic for Orofacial cleft 6, susceptibility to; Van der Woude syndrome; Popliteal pterygium syndrome. Last evaluated: 2024-12-17. Review status: criteria provided, single submitter. Criteria: Invitae Variant Classification Sherloc (09022015). Collection method: clinical testing. Allele origin: germline.
Comment: This sequence change replaces arginine, which is basic and polar, with tryptophan, which is neutral and slightly polar, at codon 9 of the IRF6 protein (p.Arg9Trp). This variant is not present in population databases (gnomAD no frequency). This missense change has been observed in individuals with Van der Woude syndrome (PMID: 15472655, 19449419, 31468312; internal data). It has also been observed to segregate with disease in related individuals. ClinVar contains an entry for this variant (Variation ID: 449039). Invitae Evidence Modeling of protein sequence and biophysical properties (such as structural, functional, and spatial information, amino acid conservation, physicochemical variation, residue mobility, and thermodynamic stability) indicates that this missense variant is expected to disrupt IRF6 protein function with a positive predictive value of 80%. This variant disrupts the p.Arg9 amino acid residue in IRF6. Other variant(s) that disrupt this residue have been observed in individuals with IRF6-related conditions (PMID: 19282774), which suggests that this may be a clinically significant amino acid residue. For these reasons, this variant has been classified as Pathogenic.

GeneDx
Classification: Likely pathogenic. Last evaluated: 2017-07-25. Review status: criteria provided, single submitter. Criteria: GeneDx Variant Classification (06012015). Collection method: clinical testing. Allele origin: germline. Affected: yes.
Comment: The R9W variant in the IRF6 gene has previously been reported in association with van der Woude syndrome (Matsuzaka et al., 2004; Jehee et al., 2009). This variant is not observed in large population cohorts (Lek et al., 2016; 1000 Genomes Consortium et al., 2015; Exome Variant Server). The R9W variant is a non-conservative amino acid substitution, which is likely to impact secondary protein structure as these residues differ in polarity, charge, size and/or other properties. This substitution occurs at a position that is conserved across species, and located within the DNA-binding domain (Little et al., 2009). In silico analysis predicts this variant is probably damaging to the protein structure/function. Based on the currently available evidence, R9W is a strong candidate for a pathogenic variant. However, the possibility it may be a rare benign variant cannot be excluded.

Equipe Genetique des Anomalies du Developpement, Université de Bourgogne
Classification: Pathogenic for Van der Woude syndrome 1. Last evaluated: 2016-10-04. Review status: criteria provided, single submitter. Criteria: ACMG Guidelines, 2015. Collection method: clinical testing. Allele origin: de novo. Affected: yes.

Literature cited by the submitters: PubMed 15472655 (cited by Labcorp Genetics (formerly Invitae), Labcorp); PubMed 19449419 (cited by Labcorp Genetics (formerly Invitae), Labcorp); PubMed 31468312 (cited by Labcorp Genetics (formerly Invitae), Labcorp); PubMed 19282774 (cited by Labcorp Genetics (formerly Invitae), Labcorp).

NM_006147.4(IRF6):c.25C>T (p.Arg9Trp)

Gene: IRF6 (interferon regulatory factor 6; minus strand). Cytogenetic location: 1q32.2.
Variant type: single nucleotide variant.
Coding change: c.25C>T on transcript NM_006147.4 (MANE Select); coding-DNA position 25, C replaced by T.
Protein change: p.Arg9Trp; replaces arginine 9 with tryptophan.
Molecular consequence: missense variant. On other transcripts: intron variant (1).
Genome position (GRCh38, 1-based): chr1:209,801,389, G>A on the plus strand (C>T on the coding strand, the complement: IRF6 is on the minus strand). VCF-style: chr1-209801389-G-A. GRCh37 (hg19) VCF-style: chr1-209974734-G-A.
Other names: c.-112+4558C>T (NM_001206696.2); short protein forms R9W.
Identifiers: ClinVar variation 449039 (VCV000449039.15), dbSNP rs1553248641, ClinGen allele CA344586104.